The following is an entry in ClinVar:

ClinVar aggregate classification (germline): Likely benign. Review status: criteria provided, multiple submitters, no conflicts (2 of 4 stars). 2 submissions from 2 submitters: Likely benign (2). Last evaluated 2026-02-01.

gnomAD v4.1: 818 of 1,613,924 alleles (0.051%); highest among the groups gnomAD compares: Non-Finnish European, 0.064%; 3 homozygotes.

Submissions (2):

CeGaT Center for Human Genetics Tuebingen
Classification: Likely benign. Last evaluated: 2026-02-01. Review status: criteria provided, single submitter. Criteria: CeGaT Center For Human Genetics Tuebingen Variant Classification Criteria Version 2. Collection method: clinical testing. Allele origin: germline. Affected: yes. Observed: 1 variant allele.
Comment: KIAA0754: BP4, BS2

Laboratory of Genetics, Children's Clinical University Hospital Latvia
Classification: Likely benign. Last evaluated: 2025-02-16. Review status: criteria provided, single submitter. Criteria: ACMG Guidelines, 2015. Collection method: clinical testing. Allele origin: germline. Affected: yes.

NM_001394062.1(MACF1):c.15817-8141C>T

Genes: KIAA0754 (KIAA0754; plus strand), MACF1 (microtubule actin crosslinking factor 1; plus strand). Cytogenetic location: 1p34.3.
Variant type: single nucleotide variant.
Coding change: c.15817-8141C>T on transcript NM_001394062.1 (MANE Select); 8141 bases into the intron before coding-DNA position 15817, C replaced by T.
Molecular consequence: intron variant. On other transcripts: missense variant (1).
Genome position (GRCh38, 1-based): chr1:39,414,233, C>T. VCF-style: chr1-39414233-C-T. GRCh37 (hg19) VCF-style: chr1-39879905-C-T.
Other names: c.3968C>T, p.Ala1323Val (NM_001397473.1); c.9631-8141C>T (NM_012090.5); short protein forms A1323V.
Identifiers: ClinVar variation 3910092 (VCV003910092.5).